The following is an entry in ClinVar:

NM_000069.3(CACNA1S):c.1093G>A (p.Gly365Ser)

Gene: CACNA1S (calcium voltage-gated channel subunit alpha1 S; minus strand). Cytogenetic location: 1q32.1.
Variant type: single nucleotide variant.
Coding change: c.1093G>A on transcript NM_000069.3 (MANE Select); coding-DNA position 1093, G replaced by A.
Protein change: p.Gly365Ser; replaces glycine 365 with serine.
Molecular consequence: missense variant.
Genome position (GRCh38, 1-based): chr1:201,085,493, C>T on the plus strand (G>A on the coding strand, the complement: CACNA1S is on the minus strand). VCF-style: chr1-201085493-C-T. GRCh37 (hg19) VCF-style: chr1-201054621-C-T.
Other names: short protein forms G365S.
Identifiers: ClinVar variation 1355079 (VCV001355079.9), dbSNP rs1662009066, ClinGen allele CA344129330.

ClinVar aggregate classification (germline): Uncertain significance. Review status: criteria provided, multiple submitters, no conflicts (2 of 4 stars). 2 submissions from 2 submitters: Uncertain significance (2). Last evaluated 2023-08-28.

Conditions:
Hypokalemic periodic paralysis, type 1. Also called: Hypokalemic Periodic Paralysis Type 1 (AD); HypoPP. Identifiers: Orphanet 681, MedGen C3714580, MONDO:0042979, OMIM 170400.
Malignant hyperthermia, susceptibility to, 5 (MHS5). Also called: CACNA1S-Related Malignant Hyperthermia Susceptibility. Identifiers: Orphanet 423, MedGen C1866077, MONDO:0011163, OMIM 601887.

Allele frequency attached by ClinVar (database versions not stated): TOPMed below 0.00001.

Submissions (2):

All of Us Research Program, National Institutes of Health
Classification: Uncertain significance for Malignant hyperthermia, susceptibility to, 5. Last evaluated: 2023-08-28. Review status: criteria provided, single submitter. Criteria: ACMG Guidelines, 2015. Collection method: clinical testing. Allele origin: germline. Inheritance: Autosomal dominant inheritance. Observed: 1 variant allele, 1 heterozygote.
Comment: This missense variant replaces glycine with serine at codon 365 of the CACNA1S protein. Computational prediction suggests that this variant may have deleterious impact on protein structure and function (internally defined REVEL score threshold >= 0.7, PMID: 27666373). To our knowledge, functional studies have not been reported for this variant. This variant has not been reported in individuals affected with CACNA1S-related disorders in the literature. This variant has not been identified in the general population by the Genome Aggregation Database (gnomAD). The available evidence is insufficient to determine the role of this variant in disease conclusively. Therefore, this variant is classified as a Variant of Uncertain Significance.

This study involves interpretation of variants in research participants for the purpose of population health screening. Participant phenotype was not available at the time of variant classification. Additional details can be found in publication PMID: 35346344, PMCID: PMC8962531

Labcorp Genetics (formerly Invitae), Labcorp
Classification: Uncertain significance for Hypokalemic periodic paralysis, type 1; Malignant hyperthermia, susceptibility to, 5. Last evaluated: 2022-01-14. Review status: criteria provided, single submitter. Criteria: Invitae Variant Classification Sherloc (09022015). Collection method: clinical testing. Allele origin: germline.
Comment: This variant is not present in population databases (gnomAD no frequency). This sequence change replaces glycine, which is neutral and non-polar, with serine, which is neutral and polar, at codon 365 of the CACNA1S protein (p.Gly365Ser). This variant has not been reported in the literature in individuals affected with CACNA1S-related conditions. Advanced modeling of protein sequence and biophysical properties (such as structural, functional, and spatial information, amino acid conservation, physicochemical variation, residue mobility, and thermodynamic stability) performed at Invitae indicates that this missense variant is not expected to disrupt CACNA1S protein function. In summary, the available evidence is currently insufficient to determine the role of this variant in disease. Therefore, it has been classified as a Variant of Uncertain Significance.